The following is an entry in ClinVar:

ClinVar aggregate classification (germline): Benign/Likely benign. Review status: criteria provided, multiple submitters, no conflicts (2 of 4 stars). 4 submissions from 4 submitters: Benign (1); Likely benign (3). Last evaluated 2025-05-13.

Conditions:
Hereditary cancer-predisposing syndrome. Also called: Tumor predisposition; Hereditary Cancer Syndrome; Neoplastic Syndromes, Hereditary; Hereditary neoplastic syndrome. Identifiers: Orphanet 140162, MedGen C0027672, MeSH D009386, MONDO:0015356.
Tuberous sclerosis 2 (TSC2). Identifiers: Orphanet 805, MedGen C1860707, MONDO:0013199, OMIM 613254.

Allele frequency attached by ClinVar (database versions not stated): TOPMed below 0.00001.

Submissions (4):

Myriad Genetics, Inc.
Classification: Benign for Tuberous sclerosis 2. Last evaluated: 2025-05-13. Review status: criteria provided, single submitter. Criteria: Myriad Autosomal Dominant, Autosomal Recessive and X-Linked Classification Criteria (2023). Collection method: clinical testing. Allele origin: unknown.
Comment: This variant is considered benign. This variant is a silent/synonymous amino acid change and it is not expected to impact splicing.

Labcorp Genetics (formerly Invitae), Labcorp
Classification: Likely benign for Tuberous sclerosis 2. Last evaluated: 2024-11-13. Review status: criteria provided, single submitter. Criteria: Invitae Variant Classification Sherloc (09022015). Collection method: clinical testing. Allele origin: germline.

Ambry Genetics
Classification: Likely benign for Hereditary cancer-predisposing syndrome. Last evaluated: 2022-07-02. Review status: criteria provided, single submitter. Criteria: Ambry Variant Classification Scheme 2023. Collection method: clinical testing. Allele origin: germline.

Sema4
Classification: Likely benign for Hereditary cancer-predisposing syndrome. Last evaluated: 2020-08-31. Review status: criteria provided, single submitter. Criteria: Sema4 Curation Guidelines. Collection method: curation. Allele origin: germline.

NM_000548.5(TSC2):c.1128C>T (p.Asp376=)

Gene: TSC2 (TSC complex subunit 2; plus strand). Cytogenetic location: 16p13.3.
Variant type: single nucleotide variant.
Coding change: c.1128C>T on transcript NM_000548.5 (MANE Select); coding-DNA position 1128, C replaced by T.
Protein change: p.Asp376=; no amino-acid change (aspartic acid 376 retained).
Molecular consequence: synonymous variant.
Genome position (GRCh38, 1-based): chr16:2,061,879, C>T. VCF-style: chr16-2061879-C-T. GRCh37 (hg19) VCF-style: chr16-2111880-C-T.
Other names: c.1128C>T, p.Asp376= (NM_001077183.3, NM_001114382.3, NM_001363528.2 and 3 more transcripts); c.1017C>T, p.Asp339= (NM_001318827.2); c.981C>T, p.Asp327= (NM_001318829.2); c.528C>T, p.Asp176= (NM_001318831.2); c.1161C>T, p.Asp387= (NM_001318832.2).
Identifiers: ClinVar variation 749875 (VCV000749875.14), dbSNP rs1183791367, ClinGen allele CA492961672.